The following is an entry in ClinVar:

ClinVar aggregate classification (germline): Uncertain significance. Review status: criteria provided, multiple submitters, no conflicts (2 of 4 stars). 2 submissions from 2 submitters: Uncertain significance (2). Last evaluated 2024-10-14.

Allele frequency attached by ClinVar (database versions not stated): ExAC 0.00003.
gnomAD v4.1: 31 of 1,613,546 alleles (0.0019%); highest among the groups gnomAD compares: Admixed American, 0.0083%; no homozygotes.

Submissions (2):

Women's Health and Genetics/Laboratory Corporation of America, LabCorp
Classification: Uncertain significance. Last evaluated: 2024-10-14. Review status: criteria provided, single submitter. Criteria: LabCorp Variant Classification Summary - May 2015. Collection method: clinical testing. Allele origin: germline.
Comment: Variant summary: CCDC88C c.760G>A (p.Val254Ile) results in a conservative amino acid change in the encoded protein sequence. Three of five in-silico tools predict a damaging effect of the variant on protein function. The variant allele was found at a frequency of 2.4e-05 in 247612 control chromosomes. The available data on variant occurrences in the general population are insufficient to allow any conclusion about variant significance. To our knowledge, no occurrence of c.760G>A in individuals affected with Congenital hydrocephalus 1 and no experimental evidence demonstrating its impact on protein function have been reported. ClinVar contains an entry for this variant (Variation ID: 2159529). Based on the evidence outlined above, the variant was classified as uncertain significance.

Labcorp Genetics (formerly Invitae), Labcorp
Classification: Uncertain significance. Last evaluated: 2023-12-11. Review status: criteria provided, single submitter. Criteria: Invitae Variant Classification Sherloc (09022015). Collection method: clinical testing. Allele origin: germline.
Comment: This sequence change replaces valine, which is neutral and non-polar, with isoleucine, which is neutral and non-polar, at codon 254 of the CCDC88C protein (p.Val254Ile). This variant is present in population databases (rs769431847, gnomAD 0.01%). This variant has not been reported in the literature in individuals affected with CCDC88C-related conditions. ClinVar contains an entry for this variant (Variation ID: 2159529). An algorithm developed to predict the effect of missense changes on protein structure and function (PolyPhen-2) suggests that this variant is likely to be disruptive. In summary, the available evidence is currently insufficient to determine the role of this variant in disease. Therefore, it has been classified as a Variant of Uncertain Significance.

NM_001080414.4(CCDC88C):c.760G>A (p.Val254Ile)

Gene: CCDC88C (coiled-coil and HOOK domain protein 88C; minus strand). Cytogenetic location: 14q32.11.
Variant type: single nucleotide variant.
Coding change: c.760G>A on transcript NM_001080414.4 (MANE Select); coding-DNA position 760, G replaced by A.
Protein change: p.Val254Ile; replaces valine 254 with isoleucine.
Molecular consequence: missense variant.
Genome position (GRCh38, 1-based): chr14:91,339,327, C>T on the plus strand (G>A on the coding strand, the complement: CCDC88C is on the minus strand). VCF-style: chr14-91339327-C-T. GRCh37 (hg19) VCF-style: chr14-91805671-C-T.
Other names: short protein forms V254I.
Identifiers: ClinVar variation 2159529 (VCV002159529.5), dbSNP rs769431847, ClinGen allele CA7310124.